The following is an entry in ClinVar:

NM_198253.3(TERT):c.1372C>T (p.Pro458Ser)

Gene: TERT (telomerase reverse transcriptase; minus strand). Cytogenetic location: 5p15.33.
Variant type: single nucleotide variant.
Coding change: c.1372C>T on transcript NM_198253.3 (MANE Select); coding-DNA position 1372, C replaced by T.
Protein change: p.Pro458Ser; replaces proline 458 with serine.
Molecular consequence: missense variant. On other transcripts: non-coding transcript variant (2).
Genome position (GRCh38, 1-based): chr5:1,293,514, G>A on the plus strand (C>T on the coding strand, the complement: TERT is on the minus strand). VCF-style: chr5-1293514-G-A. GRCh37 (hg19) VCF-style: chr5-1293629-G-A.
Other names: c.1372C>T, p.Pro458Ser (NM_001193376.3); short protein forms P458S.
Identifiers: ClinVar variation 3339919 (VCV003339919.1).

ClinVar aggregate classification (germline): Uncertain significance (1 of 4 stars; one submission).

Submission:

Women's Health and Genetics/Laboratory Corporation of America, LabCorp
Classification: Uncertain significance. Last evaluated: 2024-06-20. Review status: criteria provided, single submitter. Criteria: LabCorp Variant Classification Summary - May 2015. Collection method: clinical testing. Allele origin: germline.
Comment: Variant summary: TERT c.1372C>T (p.Pro458Ser) results in a non-conservative amino acid change in the encoded protein sequence. Four of five in-silico tools predict a damaging effect of the variant on protein function. The variant was absent in 177564 control chromosomes. The available data on variant occurrences in the general population are insufficient to allow any conclusion about variant significance. c.1372C>T has been reported in the literature in at-least one individual affected with pulmonary fibrosis (example: Manali_2022). These report(s) do not provide unequivocal conclusions about association of the variant with TERT-Related Disorders. To our knowledge, no experimental evidence demonstrating an impact on protein function has been reported. No submitters have cited clinical-significance assessments for this variant to ClinVar. The following publication has been ascertained in the context of this evaluation (PMID: 35078193). Based on the evidence outlined above, the variant was classified as uncertain significance.

Literature cited by the submitters: PubMed 35078193.